The following is an entry in ClinVar:

NM_022095.4(ZNF335):c.1970G>A (p.Arg657His)

Gene: ZNF335 (zinc finger protein 335; minus strand). Cytogenetic location: 20q13.12.
Variant type: single nucleotide variant.
Coding change: c.1970G>A on transcript NM_022095.4 (MANE Select); coding-DNA position 1970, G replaced by A.
Protein change: p.Arg657His; replaces arginine 657 with histidine.
Molecular consequence: missense variant.
Genome position (GRCh38, 1-based): chr20:45,960,258, C>T on the plus strand (G>A on the coding strand, the complement: ZNF335 is on the minus strand). VCF-style: chr20-45960258-C-T. GRCh37 (hg19) VCF-style: chr20-44588897-C-T.
Other names: short protein forms R657H.
Identifiers: ClinVar variation 1471453 (VCV001471453.8), dbSNP rs368892465, ClinGen allele CA9885535.

ClinVar aggregate classification (germline): Uncertain significance (1 of 4 stars; one submission).

Allele frequency attached by ClinVar (database versions not stated): ExAC 0.00001; gnomAD exomes 0.00001; TOPMed 0.00002; ESP Exome Variant Server 0.00008.
gnomAD v4.1: 14 of 1,614,128 alleles (0.00087%); highest among the groups gnomAD compares: African/African-American, 0.0027%; no homozygotes.

Submission:

Labcorp Genetics (formerly Invitae), Labcorp
Classification: Uncertain significance. Last evaluated: 2024-05-23. Review status: criteria provided, single submitter. Criteria: Invitae Variant Classification Sherloc (09022015). Collection method: clinical testing. Allele origin: germline.
Comment: This sequence change replaces arginine, which is basic and polar, with histidine, which is basic and polar, at codon 657 of the ZNF335 protein (p.Arg657His). This variant is present in population databases (rs368892465, gnomAD 0.007%). This variant has not been reported in the literature in individuals affected with ZNF335-related conditions. ClinVar contains an entry for this variant (Variation ID: 1471453). Advanced modeling of protein sequence and biophysical properties (such as structural, functional, and spatial information, amino acid conservation, physicochemical variation, residue mobility, and thermodynamic stability) performed at Invitae indicates that this missense variant is not expected to disrupt ZNF335 protein function with a negative predictive value of 80%. In summary, the available evidence is currently insufficient to determine the role of this variant in disease. Therefore, it has been classified as a Variant of Uncertain Significance.